The following is an entry in ClinVar:

ClinVar aggregate classification (germline): Pathogenic (1 of 4 stars; one submission).

Conditions:
Hereditary nonpolyposis colorectal neoplasms. Identifiers: MedGen C0009405, MeSH D003123.

Submission:

Labcorp Genetics (formerly Invitae), Labcorp
Classification: Pathogenic for Hereditary nonpolyposis colorectal neoplasms. Last evaluated: 2019-06-27. Review status: criteria provided, single submitter. Criteria: Invitae Variant Classification Sherloc (09022015). Collection method: clinical testing. Allele origin: germline.
Comment: For these reasons, this variant has been classified as Pathogenic. Loss-of-function variants in MSH6 are known to be pathogenic (PMID: 18269114, 24362816). This variant has not been reported in the literature in individuals with MSH6-related conditions. This variant is not present in population databases (ExAC no frequency). This sequence change creates a premature translational stop signal (p.Tyr397Glnfs*14) in the MSH6 gene. It is expected to result in an absent or disrupted protein product.

Literature cited by the submitters: PubMed 18269114; PubMed 24362816.

NM_000179.3(MSH6):c.1188_1207del (p.Tyr397fs)

Gene: MSH6 (mutS homolog 6; plus strand). Cytogenetic location: 2p16.3.
Variant type: Deletion.
Coding change: c.1188_1207del on transcript NM_000179.3 (MANE Select); coding-DNA positions 1188 to 1207, 20 bases deleted (CTATGTGCCTGAGGATTTCC).
Protein change: p.Tyr397fs; shifts the reading frame from tyrosine 397.
Molecular consequence: frameshift variant.
Genome position (GRCh38, 1-based): chr2:47,799,171-47,799,190, CTATGTGCCTGAGGATTTCC deleted. VCF-style (leftmost placement, unchanged base first): chr2-47799170-TCTATGTGCCTGAGGATTTCC-T. GRCh37 (hg19) VCF-style: chr2-48026309-TCTATGTGCCTGAGGATTTCC-T.
Other names: c.798_817del, p.Tyr267fs (NM_001281492.2); c.282_301del, p.Tyr95fs (NM_001281493.2, NM_001281494.2); short protein forms Y95fs, Y267fs, Y397fs.
Identifiers: ClinVar variation 937042 (VCV000937042.8), dbSNP rs1669305969, ClinGen allele CA1139657009.
Genomic context (GRCh38, chr2:47,799,170, plus strand): 5'-AAAAGAGAAGAGATGAGCACAGGAGGAGGCCTGATCACCCCGATTTTGATGCATCTACAC[TCTATGTGCCTGAGGATTTCC>T]TCAATTCTTGTACTCCTGGGATGAGGAAGTGGTGGCAGATTAAGTCTCAGAACTTTGATC-3'